The following is an entry in ClinVar:

NM_000075.4(CDK4):c.819+234G>A

Genes: TSPAN31 (tetraspanin 31; plus strand), CDK4 (cyclin dependent kinase 4; minus strand). Cytogenetic location: 12q14.1.
Variant type: single nucleotide variant.
Coding change: c.819+234G>A on transcript NM_000075.4 (MANE Select); 234 bases into the intron after coding-DNA position 819, G replaced by A.
Molecular consequence: intron variant. On other transcripts: 3 prime UTR variant (3).
Genome position (GRCh38, 1-based): chr12:57,748,948, C>T on the plus strand (G>A on the coding strand, the complement: CDK4 is on the minus strand). VCF-style: chr12-57748948-C-T. GRCh37 (hg19) VCF-style: chr12-58142731-C-T.
Other names: c.*1658C>T (NM_001330168.2, NM_001330169.2, NM_005981.5).
Identifiers: ClinVar variation 676808 (VCV000676808.3), dbSNP rs3211626, ClinGen allele CA237841733.

ClinVar aggregate classification (germline): Likely benign. Review status: criteria provided, multiple submitters, no conflicts (2 of 4 stars). 2 submissions from 2 submitters: Likely benign (2). Last evaluated 2018-06-14.

Allele frequency attached by ClinVar (database versions not stated): gnomAD 0.00991; TOPMed 0.01078; 1000 Genomes Project 0.01238; 1000 Genomes Project 30x 0.01265.
gnomAD v4.1: 2,021 of 594,194 alleles (0.34%); highest among the groups gnomAD compares: African/African-American, 3.4%; 36 homozygotes.

Submissions (2):

GeneDx
Classification: Likely benign. Last evaluated: 2018-06-14. Review status: criteria provided, single submitter. Criteria: GeneDx Variant Classification (06012015). Collection method: clinical testing. Allele origin: germline. Affected: yes.
Comment: This variant is considered likely benign or benign based on one or more of the following criteria: it is a conservative change, it occurs at a poorly conserved position in the protein, it is predicted to be benign by multiple in silico algorithms, and/or has population frequency not consistent with disease.

Breakthrough Genomics
Classification: Likely benign. Review status: criteria provided, single submitter. Criteria: ACMG Guidelines, 2015. Collection method: not provided. Allele origin: germline. Inheritance: Autosomal dominant inheritance. Affected: yes.